The following is an entry in ClinVar:

NM_004035.7(ACOX1):c.1270A>G (p.Asn424Asp)

Gene: ACOX1 (acyl-CoA oxidase 1; minus strand). Cytogenetic location: 17q25.1.
Variant type: single nucleotide variant.
Coding change: c.1270A>G on transcript NM_004035.7 (MANE Select); coding-DNA position 1270, A replaced by G.
Protein change: p.Asn424Asp; replaces asparagine 424 with aspartic acid.
Molecular consequence: missense variant.
Genome position (GRCh38, 1-based): chr17:75,950,802, T>C on the plus strand (A>G on the coding strand, the complement: ACOX1 is on the minus strand). VCF-style: chr17-75950802-T-C. GRCh37 (hg19) VCF-style: chr17-73946883-T-C.
Other names: c.1156A>G, p.Asn386Asp (NM_001185039.2); c.1270A>G, p.Asn424Asp (NM_007292.6); short protein forms N386D, N424D.
Identifiers: ClinVar variation 1506087 (VCV001506087.5), dbSNP rs753465451, ClinGen allele CA8776815.

ClinVar aggregate classification (germline): Uncertain significance (1 of 4 stars; one submission).

Conditions:
Acyl-CoA oxidase deficiency. Also called: Peroxisomal acyl-CoA oxidase deficiency; STRAIGHT-CHAIN ACYL-CoA OXIDASE DEFICIENCY; Pseudoneonatal adrenoleukodystrophy. Identifiers: Orphanet 2971, MedGen C1849678, MONDO:0009919, OMIM 264470. Disease mechanism: loss of function.

Allele frequency attached by ClinVar (database versions not stated): gnomAD exomes below 0.00001 and 0.00001; gnomAD 0.00001; TOPMed 0.00001; ExAC 0.00002.
gnomAD v4.1: 4 of 1,614,012 alleles (0.00025%); highest among the groups gnomAD compares: Admixed American, 0.0017%; no homozygotes.

Submission:

Labcorp Genetics (formerly Invitae), Labcorp
Classification: Uncertain significance for Acyl-CoA oxidase deficiency. Last evaluated: 2022-08-09. Review status: criteria provided, single submitter. Criteria: Invitae Variant Classification Sherloc (09022015). Collection method: clinical testing. Allele origin: germline.
Comment: This sequence change replaces asparagine, which is neutral and polar, with aspartic acid, which is acidic and polar, at codon 424 of the ACOX1 protein (p.Asn424Asp). This variant is present in population databases (rs753465451, gnomAD 0.01%). This variant has not been reported in the literature in individuals affected with ACOX1-related conditions. ClinVar contains an entry for this variant (Variation ID: 1506087). Algorithms developed to predict the effect of missense changes on protein structure and function are either unavailable or do not agree on the potential impact of this missense change (SIFT: "Deleterious"; PolyPhen-2: "Probably Damaging"; Align-GVGD: "Class C15"). In summary, the available evidence is currently insufficient to determine the role of this variant in disease. Therefore, it has been classified as a Variant of Uncertain Significance.